The following is an entry in ClinVar:

NM_005956.4(MTHFD1):c.1553T>A (p.Phe518Tyr)

Gene: MTHFD1 (methylenetetrahydrofolate dehydrogenase, cyclohydrolase and formyltetrahydrofolate synthetase 1; plus strand). Cytogenetic location: 14q23.3.
Variant type: single nucleotide variant.
Coding change: c.1553T>A on transcript NM_005956.4 (MANE Select); coding-DNA position 1553, T replaced by A.
Protein change: p.Phe518Tyr; replaces phenylalanine 518 with tyrosine.
Molecular consequence: missense variant.
Genome position (GRCh38, 1-based): chr14:64,435,627, T>A. VCF-style: chr14-64435627-T-A. GRCh37 (hg19) VCF-style: chr14-64902345-T-A.
Other names: c.1553T>A, p.Phe518Tyr (NM_001364837.1); short protein forms F518Y.
Identifiers: ClinVar variation 1352233 (VCV001352233.6), dbSNP rs2078200598, ClinGen allele CA389993661.
Genomic context (GRCh38, chr14:64,435,627, plus strand): 5'-AGAGACTAGGCATTGAAAAGACTGACCCTACCACACTGACAGATGAAGAGATAAACAGAT[T>A]TGCAAGATTGGACATTGATCCAGAAACCATAACTTGGCAAAGAGGTACCAGAGCAGTATA-3'
Protein context (NP_005947.3, residues 508-528): TTLTDEEINR[Phe518Tyr]ARLDIDPETI

ClinVar aggregate classification (germline): Uncertain significance (1 of 4 stars; one submission).

Allele frequency attached by ClinVar (database versions not stated): TOPMed below 0.00001.

Submission:

Labcorp Genetics (formerly Invitae), Labcorp
Classification: Uncertain significance. Last evaluated: 2022-02-10. Review status: criteria provided, single submitter. Criteria: Invitae Variant Classification Sherloc (09022015). Collection method: clinical testing. Allele origin: germline.
Comment: In summary, the available evidence is currently insufficient to determine the role of this variant in disease. Therefore, it has been classified as a Variant of Uncertain Significance. Algorithms developed to predict the effect of missense changes on protein structure and function are either unavailable or do not agree on the potential impact of this missense change (SIFT: "Deleterious"; PolyPhen-2: "Probably Damaging"; Align-GVGD: "Class C0"). This variant has not been reported in the literature in individuals affected with MTHFD1-related conditions. This variant is not present in population databases (gnomAD no frequency). This sequence change replaces phenylalanine, which is neutral and non-polar, with tyrosine, which is neutral and polar, at codon 518 of the MTHFD1 protein (p.Phe518Tyr).